The following is an entry in ClinVar:

NM_000481.4(AMT):c.535del (p.Leu179fs)

Gene: AMT (aminomethyltransferase; minus strand). Cytogenetic location: 3p21.31.
Variant type: Deletion.
Coding change: c.535del on transcript NM_000481.4 (MANE Select); coding-DNA position 535, one base deleted (C; older notation c.535delC).
Protein change: p.Leu179fs; shifts the reading frame from leucine 179.
Molecular consequence: frameshift variant. On other transcripts: non-coding transcript variant (1).
Genome position (GRCh38, 1-based): chr3:49,419,725, G deleted on the plus strand (C on the coding strand, the reverse complement: AMT is on the minus strand); the first of 3 consecutive G bases (chr3:49,419,725-49,419,727); deleting any one gives the same sequence. VCF-style (leftmost placement, unchanged base first): chr3-49419724-AG-A. GRCh37 (hg19) VCF-style: chr3-49457157-AG-A.
Other names: c.403del, p.Leu135fs (NM_001164710.2); c.367del, p.Leu123fs (NM_001164711.2); c.535del, p.Leu179fs (NM_001164712.2); c.535delC (NM_000481.3); short protein forms L135fs, L179fs, L123fs.
Identifiers: ClinVar variation 56234 (VCV000056234.2), dbSNP rs386833685, ClinGen allele CA263579.
Genomic context (GRCh38, chr3:49,419,724, plus strand): 5'-GCCAGGAAGGCAAAGGTTGGCTCCAACCCCAGCCCAGCCCTCTCACCTTGCAGAGCTAGC[AG>A]GGCATTATCCAACACCTCCAGGCCCACATCTCTGCCCTGGTTCTGAAGCTCCCTGACCTT-3'

ClinVar aggregate classification (germline): Likely pathogenic (0 of 4 stars; one submission).

Conditions:
Glycine encephalopathy. Also called: Nonketotic hyperglycinemia; Non-ketotic hyperglycinemia. Identifiers: Orphanet 407, MedGen C0751748, MONDO:0011612, HP:0008288.

Submission:

Juha Muilu Group; Institute for Molecular Medicine Finland (FIMM)
Classification: Likely pathogenic for Non-ketotic hyperglycinemia. Review status: no assertion criteria provided. Collection method: not provided. Allele origin: unknown.
Comment: FinDis database variant: This variant was not found or characterized by our laboratory, data were collected from public sources: see reference
ClinVar note: Converted during submission from probable-pathogenic to Likely pathogenic.